The following is an entry in ClinVar:

ClinVar aggregate classification (germline): Uncertain significance (1 of 4 stars; one submission).

Submission:

GeneDx
Classification: Uncertain significance. Last evaluated: 2022-02-07. Review status: criteria provided, single submitter. Criteria: GeneDx Variant Classification Process June 2021. Collection method: clinical testing. Allele origin: germline. Affected: yes.
Comment: Not observed at significant frequency in large population cohorts (gnomAD); Missense variants in this gene are often considered pathogenic (HGMD); In silico analysis supports that this missense variant does not alter protein structure/function; This substitution is predicted to be within the cytoplasmic loop between the first and second homologous domains; Has not been previously published as pathogenic or benign to our knowledge

NM_001165963.4(SCN1A):c.1873A>G (p.Thr625Ala)

Gene: SCN1A (sodium voltage-gated channel alpha subunit 1; minus strand). Cytogenetic location: 2q24.3.
Variant type: single nucleotide variant.
Coding change: c.1873A>G on transcript NM_001165963.4 (MANE Select); coding-DNA position 1873, A replaced by G.
Protein change: p.Thr625Ala; replaces threonine 625 with alanine.
Molecular consequence: missense variant. On other transcripts: 5 prime UTR variant (1), non-coding transcript variant (1).
Genome position (GRCh38, 1-based): chr2:166,043,839, T>C on the plus strand (A>G on the coding strand, the complement: SCN1A is on the minus strand). VCF-style: chr2-166043839-T-C. GRCh37 (hg19) VCF-style: chr2-166900349-T-C.
Other names: c.1873A>G, p.Thr625Ala (NM_001165964.3, NM_001202435.3, NM_001353948.2 and 7 more transcripts); c.1870A>G, p.Thr624Ala (NM_001353954.2, NM_001353955.2, NM_001353960.2); c.-553A>G (NM_001353961.2); short protein forms T624A, T625A.
Identifiers: ClinVar variation 1700419 (VCV001700419.2), dbSNP rs2105842681, ClinGen allele CA349067389.